The following is an entry in ClinVar:

ClinVar aggregate classification (germline): Benign/Likely benign. Review status: criteria provided, multiple submitters, no conflicts (2 of 4 stars). 2 submissions from 2 submitters: Benign (1); Likely benign (1). Last evaluated 2026-02-01.

Conditions:
Oculocutaneous albinism type 4 (OCA4). Also called: Albinism, oculocutaneous, type IV. Identifiers: Orphanet 79435, MedGen C1847836, MONDO:0011683, OMIM 606574.

Allele frequency attached by ClinVar (database versions not stated): 1000 Genomes Project 30x 0.00968; gnomAD 0.01096 and 0.01019; ESP Exome Variant Server 0.01130; 1000 Genomes Project 0.00919; TOPMed 0.01128.

Submissions (2):

Labcorp Genetics (formerly Invitae), Labcorp
Classification: Benign. Last evaluated: 2026-02-01. Review status: criteria provided, single submitter. Criteria: Invitae Variant Classification Sherloc (09022015). Collection method: clinical testing. Allele origin: germline.

Illumina Laboratory Services, Illumina
Classification: Likely benign for Oculocutaneous albinism type 4. Last evaluated: 2018-01-13. Review status: criteria provided, single submitter. Criteria: ICSL Variant Classification Criteria 13 December 2019. Collection method: clinical testing. Allele origin: germline.
Comment: This variant was observed in the ICSL laboratory as part of a predisposition screen in an ostensibly healthy population. It had not been previously curated by ICSL or reported in the Human Gene Mutation Database (HGMD: prior to June 1st, 2018), and was therefore a candidate for classification through an automated scoring system. Utilizing variant allele frequency, disease prevalence and penetrance estimates, and inheritance mode, an automated score was calculated to assess if this variant is too frequent to cause the disease. Based on the score and internal cut-off values, a variant classified as likely benign is not then subjected to further curation. The score for this variant resulted in a classification of likely benign for this disease.

NM_016180.5(SLC45A2):c.1032+9C>T

Gene: SLC45A2 (solute carrier family 45 member 2; minus strand). Cytogenetic location: 5p13.2.
Variant type: single nucleotide variant.
Coding change: c.1032+9C>T on transcript NM_016180.5 (MANE Select); 9 bases into the intron after coding-DNA position 1032, C replaced by T.
Molecular consequence: intron variant.
Genome position (GRCh38, 1-based): chr5:33,954,352, G>A on the plus strand (C>T on the coding strand, the complement: SLC45A2 is on the minus strand). VCF-style: chr5-33954352-G-A. GRCh37 (hg19) VCF-style: chr5-33954457-G-A.
Other names: c.1032+9C>T (NM_001012509.4); c.706+9C>T (NM_001297417.4).
Identifiers: ClinVar variation 353217 (VCV000353217.15), dbSNP rs113928135, ClinGen allele CA3225614.